The following is an entry in ClinVar:

NM_000091.5(COL4A3):c.4498A>G (p.Met1500Val)

Genes: COL4A3 (collagen type IV alpha 3 chain; plus strand), MFF-DT (MFF divergent transcript; minus strand). Cytogenetic location: 2q36.3.
Variant type: single nucleotide variant.
Coding change: c.4498A>G on transcript NM_000091.5 (MANE Select); coding-DNA position 4498, A replaced by G.
Protein change: p.Met1500Val; replaces methionine 1500 with valine.
Molecular consequence: missense variant.
Genome position (GRCh38, 1-based): chr2:227,308,934, A>G. VCF-style: chr2-227308934-A-G. GRCh37 (hg19) VCF-style: chr2-228173650-A-G.
Other names: short protein forms M1500V.
Identifiers: ClinVar variation 4540425 (VCV004540425.1).

ClinVar aggregate classification (germline): Uncertain significance (1 of 4 stars; one submission).

Conditions:
Autosomal dominant Alport syndrome (ATS3A). Also called: ALPORT SYNDROME 3A, AUTOSOMAL DOMINANT; Alport syndrome dominant type; Renal failure and sensorineural hearing loss. Identifiers: Orphanet 63, Orphanet 88918, MedGen C5882663, MONDO:0007086, OMIM 104200.

Submission:

MVZ Medizinische Genetik Mainz
Classification: Uncertain significance for Autosomal dominant Alport syndrome. Last evaluated: 2025-11-25. Review status: criteria provided, single submitter. Criteria: UK Practice Guidelines For Variant Classification V4 01 2020. Collection method: clinical testing. Allele origin: germline. Inheritance: Autosomal dominant inheritance. Affected: yes. Observed: 1 variant allele.
Comment: ACMG Criteria: PP3_MOD,PM2_SUP,PP4